The following is an entry in ClinVar:

NM_000038.6(APC):c.1743+2156G>T

Gene: APC (APC regulator of Wnt signaling pathway; plus strand). Cytogenetic location: 5q22.2.
Variant type: single nucleotide variant.
Coding change: c.1743+2156G>T on transcript NM_000038.6 (MANE Select); 2156 bases into the intron after coding-DNA position 1743, G replaced by T.
Molecular consequence: intron variant.
Genome position (GRCh38, 1-based): chr5:112,831,128, G>T. VCF-style: chr5-112831128-G-T. GRCh37 (hg19) VCF-style: chr5-112166825-G-T.
Other names: c.1743+2156G>T (NM_001354895.2, NM_001127510.3, NM_000038.5); c.1773+2156G>T (NM_001354897.2); c.1470+2156G>T (NM_001354902.2); c.1689+2156G>T (NM_001127511.3); c.1668+2156G>T (NM_001354898.2); c.1365+2156G>T (NM_001354904.2); c.894+2156G>T (NM_001354906.2); c.1797+2156G>T (NM_001354896.2); and 5 more.
Identifiers: ClinVar variation 83179 (VCV000083179.5), dbSNP rs76302894, ClinGen allele CA005588.

ClinVar aggregate classification (germline): Uncertain significance. Review status: criteria provided, single submitter (1 of 4 stars). 2 submissions from 2 submitters: Uncertain significance (1). 1 of the submissions does not count toward it. Last evaluated 2026-07-02.

Conditions:
Hereditary cancer-predisposing syndrome. Also called: Neoplastic Syndromes, Hereditary; Hereditary neoplastic syndrome; Hereditary Cancer Syndrome; Tumor predisposition. Identifiers: Orphanet 140162, MedGen C0027672, MeSH D009386, MONDO:0015356.
Familial colorectal cancer. Identifiers: MedGen CN280943, MONDO:0023113. Disease mechanism: loss of function.

Submissions (2):

Ambry Genetics
Classification: Uncertain significance for Hereditary cancer-predisposing syndrome. Last evaluated: 2026-07-02. Review status: criteria provided, single submitter. Criteria: Ambry Variant Classification Scheme 2023. Collection method: clinical testing. Allele origin: germline.
Comment: The c.1743+2156G>T intronic variant results from a G to T substitution 2156 nucleotides after coding exon 13 in the APC gene. This nucleotide position is conserved on limited sequence alignment. In silico splice site analysis predicts that this alteration may result in the creation or strengthening of a novel splice acceptor site. RNA studies have demonstrated that this variant results in a splice defect; the clinical impact of this abnormal splicing is unknown at this time (Ambry internal data). Based on the available evidence, the clinical significance of this variant remains unclear.

Systems Biology Platform Zhejiang California International NanoSystems Institute
Classification: other for Familial colorectal cancer. Review status: no assertion criteria provided. Collection method: not provided. Allele origin: unknown. Not counted in ClinVar's aggregate classification.
ClinVar note: Converted during submission from cancer to other.